The following is an entry in ClinVar:

NM_001025295.3(IFITM5):c.154C>T (p.Leu52Phe)

Gene: IFITM5 (interferon induced transmembrane protein 5; minus strand). Cytogenetic location: 11p15.5.
Variant type: single nucleotide variant.
Coding change: c.154C>T on transcript NM_001025295.3 (MANE Select); coding-DNA position 154, C replaced by T.
Protein change: p.Leu52Phe; replaces leucine 52 with phenylalanine.
Molecular consequence: missense variant.
Genome position (GRCh38, 1-based): chr11:299,337, G>A on the plus strand (C>T on the coding strand, the complement: IFITM5 is on the minus strand). VCF-style: chr11-299337-G-A. GRCh37 (hg19) VCF-style: chr11-299337-G-A.
Other names: short protein forms L52F.
Identifiers: ClinVar variation 1968910 (VCV001968910.5), dbSNP rs2539164879, ClinGen allele CA378890676.

ClinVar aggregate classification (germline): Uncertain significance (1 of 4 stars; one submission).

Allele frequency attached by ClinVar (database versions not stated): gnomAD exomes below 0.00001.

Submission:

Labcorp Genetics (formerly Invitae), Labcorp
Classification: Uncertain significance. Last evaluated: 2024-10-15. Review status: criteria provided, single submitter. Criteria: Invitae Variant Classification Sherloc (09022015). Collection method: clinical testing. Allele origin: germline.
Comment: This sequence change replaces leucine, which is neutral and non-polar, with phenylalanine, which is neutral and non-polar, at codon 52 of the IFITM5 protein (p.Leu52Phe). This variant is not present in population databases (gnomAD no frequency). This variant has not been reported in the literature in individuals affected with IFITM5-related conditions. ClinVar contains an entry for this variant (Variation ID: 1968910). An algorithm developed to predict the effect of missense changes on protein structure and function outputs the following: PolyPhen-2: "Benign". The phenylalanine amino acid residue is found in multiple mammalian species, which suggests that this missense change does not adversely affect protein function. In summary, the available evidence is currently insufficient to determine the role of this variant in disease. Therefore, it has been classified as a Variant of Uncertain Significance.